The following is an entry in ClinVar:

NM_001318852.2(MAPK8IP3):c.2752G>C (p.Gly918Arg)

Gene: MAPK8IP3 (mitogen-activated protein kinase 8 interacting protein 3; plus strand). Cytogenetic location: 16p13.3.
Variant type: single nucleotide variant.
Coding change: c.2752G>C on transcript NM_001318852.2 (MANE Select); coding-DNA position 2752, G replaced by C.
Protein change: p.Gly918Arg; replaces glycine 918 with arginine.
Molecular consequence: missense variant.
Genome position (GRCh38, 1-based): chr16:1,766,342, G>C. VCF-style: chr16-1766342-G-C. GRCh37 (hg19) VCF-style: chr16-1816343-G-C.
Other names: c.2731G>C, p.Gly911Arg (NM_001040439.2); c.2749G>C, p.Gly917Arg (NM_015133.5); short protein forms G911R, G917R, G918R.
Identifiers: ClinVar variation 3896006 (VCV003896006.1).
Genomic context (GRCh38, chr16:1,766,342, plus strand): 5'-GAGGCCACGGAGGTGCCAGACCCTGGGCCCAGCGAGCCAGAGACAGCCACATTGCGGCCC[G>C]GGCCTCTCACAGAGCACGTCTTCACTGACCCAGCCCCGACCCCGTCCTCTGGCCCCCAGC-3'
Protein context (NP_001305781.1, residues 908-928): SEPETATLRP[Gly918Arg]PLTEHVFTDP

ClinVar aggregate classification (germline): Uncertain significance (1 of 4 stars; one submission).

Submission:

Women's Health and Genetics/Laboratory Corporation of America, LabCorp
Classification: Uncertain significance. Last evaluated: 2025-03-24. Review status: criteria provided, single submitter. Criteria: LabCorp Variant Classification Summary - May 2015. Collection method: clinical testing. Allele origin: germline.
Comment: Variant summary: MAPK8IP3 c.2749G>C (p.Gly917Arg) results in a non-conservative amino acid change in the encoded protein sequence. Four of five in-silico tools predict a damaging effect of the variant on protein function. The variant was absent in 244302 control chromosomes. The available data on variant occurrences in the general population are insufficient to allow any conclusion about variant significance. To our knowledge, no occurrence of c.2749G>C in individuals affected with Neurodevelopmental Disorder With Or Without Variable Brain Abnormalities; NEDBA and no experimental evidence demonstrating its impact on protein function have been reported. No submitters have cited clinical-significance assessments for this variant to ClinVar. Based on the evidence outlined above, the variant was classified as uncertain significance.